The following is an entry in ClinVar:

ClinVar aggregate classification (germline): Uncertain significance (1 of 4 stars; one submission).

Conditions:
Brugada syndrome 8 (BRGDA8). Identifiers: Orphanet 130, MedGen C2751083, MONDO:0013148, OMIM 613123.

Submission:

Labcorp Genetics (formerly Invitae), Labcorp
Classification: Uncertain significance for Brugada syndrome 8. Last evaluated: 2024-01-15. Review status: criteria provided, single submitter. Criteria: Invitae Variant Classification Sherloc (09022015). Collection method: clinical testing. Allele origin: germline.
Comment: This sequence change replaces serine, which is neutral and polar, with glycine, which is neutral and non-polar, at codon 844 of the HCN4 protein (p.Ser844Gly). This variant is not present in population databases (gnomAD no frequency). This variant has not been reported in the literature in individuals affected with HCN4-related conditions. Advanced modeling of protein sequence and biophysical properties (such as structural, functional, and spatial information, amino acid conservation, physicochemical variation, residue mobility, and thermodynamic stability) performed at Invitae indicates that this missense variant is not expected to disrupt HCN4 protein function with a negative predictive value of 80%. In summary, the available evidence is currently insufficient to determine the role of this variant in disease. Therefore, it has been classified as a Variant of Uncertain Significance.

NM_005477.3(HCN4):c.2530A>G (p.Ser844Gly)

Gene: HCN4 (hyperpolarization activated cyclic nucleotide gated potassium channel 4; minus strand). Cytogenetic location: 15q24.1.
Variant type: single nucleotide variant.
Coding change: c.2530A>G on transcript NM_005477.3 (MANE Select); coding-DNA position 2530, A replaced by G.
Protein change: p.Ser844Gly; replaces serine 844 with glycine.
Molecular consequence: missense variant.
Genome position (GRCh38, 1-based): chr15:73,323,563, T>C on the plus strand (A>G on the coding strand, the complement: HCN4 is on the minus strand). VCF-style: chr15-73323563-T-C. GRCh37 (hg19) VCF-style: chr15-73615904-T-C.
Other names: short protein forms S844G.
Identifiers: ClinVar variation 2865937 (VCV002865937.3), dbSNP rs2549068904, ClinGen allele CA393088721.